The following is an entry in ClinVar:

ClinVar aggregate classification (germline): Conflicting classifications of pathogenicity. Review status: criteria provided, conflicting classifications (1 of 4 stars). 2 submissions from 2 submitters: Likely pathogenic (1); Uncertain significance (1). Last evaluated 2025-08-11.

Conditions:
Developmental and epileptic encephalopathy, 42 (DEE42A). Also called: DEVELOPMENTAL AND EPILEPTIC ENCEPHALOPATHY 42A; EPILEPTIC ENCEPHALOPATHY, EARLY INFANTILE, 42A; Epileptic encephalopathy, early infantile, 42. Identifiers: MedGen C4310716, MONDO:0014917, OMIM 617106.
Episodic ataxia type 2 (EA2). Also called: ATAXIA, EPISODIC, WITH NYSTAGMUS; ATAXIA, FAMILIAL PAROXYSMAL; CEREBELLAR ATAXIA, PAROXYSMAL, ACETAZOLAMIDE-RESPONSIVE; CEREBELLOPATHY, HEREDITARY PAROXYSMAL; EPISODIC ATAXIA, NYSTAGMUS-ASSOCIATED; ACETAZOLAMIDE-RESPONSIVE HEREDITARY PAROXYSMAL CEREBELLAR ATAXIA. Identifiers: Orphanet 97, MedGen C1720416, MONDO:0007163, OMIM 108500.

Allele frequency attached by ClinVar (database versions not stated): gnomAD exomes below 0.00001.
gnomAD v4.1: 1 of 1,613,718 alleles (0.000062%); highest among the groups gnomAD compares: Non-Finnish European, 0.000085%; no homozygotes.

Submissions (2):

Labcorp Genetics (formerly Invitae), Labcorp
Classification: Uncertain significance for Developmental and epileptic encephalopathy, 42; Episodic ataxia type 2. Last evaluated: 2025-08-11. Review status: criteria provided, single submitter. Criteria: Invitae Variant Classification Sherloc (09022015). Collection method: clinical testing. Allele origin: germline.
Comment: This sequence change replaces arginine, which is basic and polar, with tryptophan, which is neutral and slightly polar, at codon 1740 of the CACNA1A protein (p.Arg1740Trp). This variant is not present in population databases (gnomAD no frequency). This variant has not been reported in the literature in individuals affected with CACNA1A-related conditions. ClinVar contains an entry for this variant (Variation ID: 1467743). Invitae Evidence Modeling of protein sequence and biophysical properties (such as structural, functional, and spatial information, amino acid conservation, physicochemical variation, residue mobility, and thermodynamic stability) indicates that this missense variant is expected to disrupt CACNA1A protein function with a positive predictive value of 95%. In summary, the available evidence is currently insufficient to determine the role of this variant in disease. Therefore, it has been classified as a Variant of Uncertain Significance.

GeneDx
Classification: Likely pathogenic. Last evaluated: 2025-04-13. Review status: criteria provided, single submitter. Criteria: GeneDx Variant Classification Process June 2021. Collection method: clinical testing. Allele origin: germline. Affected: yes.
Comment: Not observed at significant frequency in large population cohorts (gnomAD); In silico analysis supports that this missense variant has a deleterious effect on protein structure/function; Has not been previously published as pathogenic or benign to our knowledge

NM_001127222.2(CACNA1A):c.5215C>T (p.Arg1739Trp)

Gene: CACNA1A (calcium voltage-gated channel subunit alpha1 A; minus strand). Cytogenetic location: 19p13.13.
Variant type: single nucleotide variant.
Coding change: c.5215C>T on transcript NM_001127222.2 (MANE Select); coding-DNA position 5215, C replaced by T.
Protein change: p.Arg1739Trp; replaces arginine 1739 with tryptophan.
Molecular consequence: missense variant.
Genome position (GRCh38, 1-based): chr19:13,234,955, G>A on the plus strand (C>T on the coding strand, the complement: CACNA1A is on the minus strand). VCF-style: chr19-13234955-G-A. GRCh37 (hg19) VCF-style: chr19-13345769-G-A.
Other names: c.5218C>T (NM_001127221.1); c.5233C>T, p.Arg1745Trp (NM_000068.4, NM_023035.3); c.5218C>T, p.Arg1740Trp (NM_001127221.2); c.5224C>T, p.Arg1742Trp (NM_001174080.2); short protein forms R1745W, R1740W, R1742W, R1739W.
Identifiers: ClinVar variation 1467743 (VCV001467743.9), dbSNP rs2144646626, ClinGen allele CA404335590.